The following is an entry in ClinVar:

NM_001379081.2(FREM1):c.1465G>A (p.Asp489Asn)

Gene: FREM1 (FRAS1 related extracellular matrix 1; minus strand). Cytogenetic location: 9p22.3.
Variant type: single nucleotide variant.
Coding change: c.1465G>A on transcript NM_001379081.2 (MANE Select); coding-DNA position 1465, G replaced by A.
Protein change: p.Asp489Asn; replaces aspartic acid 489 with asparagine.
Molecular consequence: missense variant. On other transcripts: non-coding transcript variant (2).
Genome position (GRCh38, 1-based): chr9:14,842,589, C>T on the plus strand (G>A on the coding strand, the complement: FREM1 is on the minus strand). VCF-style: chr9-14842589-C-T. GRCh37 (hg19) VCF-style: chr9-14842587-C-T.
Other names: c.1465G>A, p.Asp489Asn (NM_144966.7); short protein forms D489N.
Identifiers: ClinVar variation 1723675 (VCV001723675.5), dbSNP rs376475481, ClinGen allele CA4991227.

ClinVar aggregate classification (germline): Uncertain significance. Review status: criteria provided, multiple submitters, no conflicts (2 of 4 stars). 3 submissions from 3 submitters: Uncertain significance (2). 1 of the submissions does not count toward it. Last evaluated 2023-06-01.

Conditions:
FREM1-related disorder. Also called: FREM1-Related Disorders; FREM1-related condition.
Inborn genetic diseases. Identifiers: MedGen C0950123, MeSH D030342.

Allele frequency attached by ClinVar (database versions not stated): ExAC 0.00002; gnomAD 0.00003; gnomAD exomes 0.00003; TOPMed 0.00006; ESP Exome Variant Server 0.00008.
gnomAD v4.1: 53 of 1,613,836 alleles (0.0033%); highest among the groups gnomAD compares: Admixed American, 0.0083%; no homozygotes.

Submissions (3):

Ambry Genetics
Classification: Uncertain significance for Inborn genetic diseases. Last evaluated: 2023-06-01. Review status: criteria provided, single submitter. Criteria: Ambry Variant Classification Scheme 2023. Collection method: clinical testing. Allele origin: germline.

GeneDx
Classification: Uncertain significance. Last evaluated: 2022-05-08. Review status: criteria provided, single submitter. Criteria: GeneDx Variant Classification Process June 2021. Collection method: clinical testing. Allele origin: germline. Affected: yes.
Comment: In silico analysis supports that this missense variant has a deleterious effect on protein structure/function; Has not been previously published as pathogenic or benign to our knowledge

PreventionGenetics, part of Exact Sciences
Classification: Uncertain significance for FREM1-related condition. Last evaluated: 2024-08-26. Review status: no assertion criteria provided. Collection method: clinical testing. Allele origin: germline. Not counted in ClinVar's aggregate classification.
Comment: The FREM1 c.1465G>A variant is predicted to result in the amino acid substitution p.Asp489Asn. To our knowledge, this variant has not been reported in the literature. This variant is reported in 0.0087% of alleles in individuals of Latino descent in gnomAD. At this time, the clinical significance of this variant is uncertain due to the absence of conclusive functional and genetic evidence.